The following is an entry in ClinVar:

ClinVar aggregate classification (germline): Likely benign (1 of 4 stars; one submission).

Allele frequency attached by ClinVar (database versions not stated): gnomAD exomes 0.00028; ExAC 0.00040; ESP Exome Variant Server 0.00116; gnomAD 0.00129 and 0.00138; 1000 Genomes Project 0.00140; TOPMed 0.00177.
gnomAD v4.1: 380 of 1,541,034 alleles (0.025%); highest among the groups gnomAD compares: African/African-American, 0.43%; 1 homozygote.

Submission:

GeneDx
Classification: Likely benign. Last evaluated: 2017-12-27. Review status: criteria provided, single submitter. Criteria: GeneDx Variant Classification (06012015). Collection method: clinical testing. Allele origin: germline. Affected: yes.
Comment: This variant is considered likely benign or benign based on one or more of the following criteria: it is a conservative change, it occurs at a poorly conserved position in the protein, it is predicted to be benign by multiple in silico algorithms, and/or has population frequency not consistent with disease.

NM_175614.5(NDUFA11):c.-43C>T

Genes: NDUFA11 (NADH:ubiquinone oxidoreductase subunit A11; minus strand), LOC112552175 (Sharpr-MPRA regulatory region 9916; plus strand). Cytogenetic location: 19p13.3.
Variant type: single nucleotide variant.
Coding change: c.-43C>T on transcript NM_175614.5 (MANE Select); 43 bases upstream of the start codon, C replaced by T.
Molecular consequence: 5 prime UTR variant. On other transcripts: non-coding transcript variant (1).
Genome position (GRCh38, 1-based): chr19:5,903,751, G>A on the plus strand (C>T on the coding strand, the complement: NDUFA11 is on the minus strand). VCF-style: chr19-5903751-G-A. GRCh37 (hg19) VCF-style: chr19-5903762-G-A.
Other names: c.-43C>T (NM_001193375.3).
Identifiers: ClinVar variation 381071 (VCV000381071.1), dbSNP rs377245940, ClinGen allele CA9119060.